The following is an entry in ClinVar:

ClinVar aggregate classification (germline): Likely benign (1 of 4 stars; one submission).

Submission:

CeGaT Center for Human Genetics Tuebingen
Classification: Likely benign. Last evaluated: 2025-01-01. Review status: criteria provided, single submitter. Criteria: CeGaT Center For Human Genetics Tuebingen Variant Classification Criteria Version 2. Collection method: clinical testing. Allele origin: germline. Affected: yes. Observed: 1 variant allele.
Comment: HYDIN: BP4

NM_001270974.2(HYDIN):c.7112T>A (p.Ile2371Asn)

Gene: HYDIN (HYDIN axonemal central pair apparatus protein; minus strand). Cytogenetic location: 16q22.2.
Variant type: single nucleotide variant.
Coding change: c.7112T>A on transcript NM_001270974.2 (MANE Select); coding-DNA position 7112, T replaced by A.
Protein change: p.Ile2371Asn; replaces isoleucine 2371 with asparagine.
Molecular consequence: missense variant.
Genome position (GRCh38, 1-based): chr16:70,935,998, A>T on the plus strand (T>A on the coding strand, the complement: HYDIN is on the minus strand). VCF-style: chr16-70935998-A-T. GRCh37 (hg19) VCF-style: chr16-70969901-A-T.
Other names: short protein forms I2371N.
Identifiers: ClinVar variation 3770966 (VCV003770966.13).